The following is an entry in ClinVar:

NM_000369.5(TSHR):c.1315CTC[1] (p.Leu440del)

Genes: TSHR (thyroid stimulating hormone receptor; plus strand), TSHR-AS1 (TSHR antisense RNA 1; minus strand). Cytogenetic location: 14q31.1.
Variant type: Microsatellite.
Coding change: c.1315CTC[1] on transcript NM_000369.5 (MANE Select); one copy of the 3-base unit CTC starting at c.1315; the reference has two copies in a row; one copy, 3 bases deleted; also written c.1318_1320del.
Protein change: p.Leu440del; deletes leucine 440.
Molecular consequence: inframe deletion. On other transcripts: inframe indel (2).
Genome position (GRCh38, 1-based): chr14:81,143,376-81,143,378, CTC deleted; deleting any 3 consecutive bases within chr14:81,143,373-81,143,378 gives the same sequence; the position shown is the placement nearest the transcript's 3' end. VCF-style (leftmost placement, unchanged base first): chr14-81143372-TCTC-T. GRCh37 (hg19) VCF-style: chr14-81609716-TCTC-T.
Other names: c.1315_1317CTC[1], p.Leu440del (NM_000369.2); c.1318_1320del (NM_000369.2); short protein forms L440del.
Identifiers: ClinVar variation 2576726 (VCV002576726.2), dbSNP rs1378766721, ClinGen allele CA615669714.

ClinVar aggregate classification (germline): Uncertain significance (1 of 4 stars; one submission).

Submission:

GeneDx
Classification: Uncertain significance. Last evaluated: 2024-06-19. Review status: criteria provided, single submitter. Criteria: GeneDx Variant Classification Process June 2021. Collection method: clinical testing. Allele origin: germline.
Comment: In silico analysis supports a deleterious effect on protein structure/function; In-frame deletion of 1 amino acid in a non-repeat region; Has not been previously published as pathogenic or benign to our knowledge